The following is an entry in ClinVar:

NM_001371727.1(GABRB2):c.503del (p.Pro168fs)

Gene: GABRB2 (gamma-aminobutyric acid type A receptor subunit beta2; minus strand). Cytogenetic location: 5q34.
Variant type: Deletion.
Coding change: c.503del on transcript NM_001371727.1 (MANE Select); coding-DNA position 503, one base deleted (C; older notation c.503delC).
Protein change: p.Pro168fs; shifts the reading frame from proline 168.
Molecular consequence: frameshift variant.
Genome position (GRCh38, 1-based): chr5:161,411,013, G deleted on the plus strand (C on the coding strand, the reverse complement: GABRB2 is on the minus strand); the first of 3 consecutive G bases (chr5:161,411,013-161,411,015); deleting any one gives the same sequence. VCF-style (leftmost placement, unchanged base first): chr5-161411012-TG-T. GRCh37 (hg19) VCF-style: chr5-160838018-TG-T.
Other names: c.503del, p.Pro168fs (NM_000813.3, NM_021911.3); short protein forms P168fs.
Identifiers: ClinVar variation 2836698 (VCV002836698.3), dbSNP rs2479889389, ClinGen allele CA2739272772.

ClinVar aggregate classification (germline): Uncertain significance (1 of 4 stars; one submission).

Conditions:
Intellectual disability. Also called: Intellectual functioning disability; intellectual disabilities; Intellectual developmental disorder. Identifiers: MedGen C3714756, MeSH D008607, MONDO:0001071, HP:0001249.

Submission:

Labcorp Genetics (formerly Invitae), Labcorp
Classification: Uncertain significance for Intellectual disability. Last evaluated: 2023-02-13. Review status: criteria provided, single submitter. Criteria: Invitae Variant Classification Sherloc (09022015). Collection method: clinical testing. Allele origin: germline.
Comment: In summary, the available evidence is currently insufficient to determine the role of this variant in disease. Therefore, it has been classified as a Variant of Uncertain Significance. This variant has not been reported in the literature in individuals affected with GABRB2-related conditions. This variant is not present in population databases (gnomAD no frequency). This sequence change creates a premature translational stop signal (p.Pro168Hisfs*32) in the GABRB2 gene. It is expected to result in an absent or disrupted protein product. However, the current clinical and genetic evidence is not sufficient to establish whether loss-of-function variants in GABRB2 cause disease.